The following is an entry in ClinVar:

NM_000521.4(HEXB):c.708G>A (p.Trp236Ter)

Gene: HEXB (hexosaminidase subunit beta; plus strand). Cytogenetic location: 5q13.3.
Variant type: single nucleotide variant.
Coding change: c.708G>A on transcript NM_000521.4 (MANE Select); coding-DNA position 708, G replaced by A.
Protein change: p.Trp236Ter; replaces tryptophan 236 with a stop codon.
Molecular consequence: nonsense.
Genome position (GRCh38, 1-based): chr5:74,705,257, G>A. VCF-style: chr5-74705257-G-A. GRCh37 (hg19) VCF-style: chr5-74001082-G-A.
Other names: c.33G>A, p.Trp11Ter (NM_001292004.2); short protein forms W11*, W236*.
Identifiers: ClinVar variation 4849469 (VCV004849469.1).

ClinVar aggregate classification (germline): Likely pathogenic (1 of 4 stars; one submission).

Conditions:
Sandhoff disease. Also called: HEXOSAMINIDASES A AND B DEFICIENCY; Beta-hexosaminidase-beta-subunit deficiency; GM2 gangliosidosis, type 2; Total hexosaminidase deficiency; Sandhoff-Jatzkewitz-Pilz disease; GM2-GANGLIOSIDOSIS, TYPE II. Identifiers: Orphanet 796, MedGen C0036161, MONDO:0010006, OMIM 268800.

Submission:

First Genomix Gene Laboratory, Genetic Diagnostics Department
Classification: Likely pathogenic for Sandhoff disease. Last evaluated: 2025-05-23. Review status: criteria provided, single submitter. Criteria: ACMG Guidelines, 2015. Collection method: clinical testing. Allele origin: germline. Inheritance: Autosomal recessive inheritance. Affected: no. Observed: 1 variant allele.